The following is an entry in ClinVar:

NM_014141.6(CNTNAP2):c.3476-144C>T

Gene: CNTNAP2 (contactin associated protein 2; plus strand). Cytogenetic location: 7q36.1.
Variant type: single nucleotide variant.
Coding change: c.3476-144C>T on transcript NM_014141.6 (MANE Select); 144 bases into the intron before coding-DNA position 3476, C replaced by T.
Molecular consequence: intron variant.
Genome position (GRCh38, 1-based): chr7:148,383,505, C>T. VCF-style: chr7-148383505-C-T. GRCh37 (hg19) VCF-style: chr7-148080597-C-T.
Identifiers: ClinVar variation 679933 (VCV000679933.1), dbSNP rs1637842, ClinGen allele CA12550474.

ClinVar aggregate classification (germline): Benign (1 of 4 stars; one submission).

Allele frequency attached by ClinVar (database versions not stated): 1000 Genomes Project 30x 0.65693; 1000 Genomes Project 0.65815; gnomAD 0.71302 and 0.71360; TOPMed 0.71454.
gnomAD v4.1: 888,692 of 1,157,348 alleles (77%); highest among the groups gnomAD compares: Admixed American, 82%; 344,772 homozygotes.

Submission:

GeneDx
Classification: Benign. Last evaluated: 2018-06-14. Review status: criteria provided, single submitter. Criteria: GeneDx Variant Classification (06012015). Collection method: clinical testing. Allele origin: germline. Affected: yes.
Comment: This variant is considered likely benign or benign based on one or more of the following criteria: it is a conservative change, it occurs at a poorly conserved position in the protein, it is predicted to be benign by multiple in silico algorithms, and/or has population frequency not consistent with disease.